The following is an entry in ClinVar:

NM_005546.4(ITK):c.1834C>A (p.Leu612Met)

Gene: ITK (IL2 inducible T cell kinase; plus strand). Cytogenetic location: 5q33.3.
Variant type: single nucleotide variant.
Coding change: c.1834C>A on transcript NM_005546.4 (MANE Select); coding-DNA position 1834, C replaced by A.
Protein change: p.Leu612Met; replaces leucine 612 with methionine.
Molecular consequence: missense variant.
Genome position (GRCh38, 1-based): chr5:157,252,649, C>A. VCF-style: chr5-157252649-C-A. GRCh37 (hg19) VCF-style: chr5-156679659-C-A.
Other names: short protein forms L612M.
Identifiers: ClinVar variation 3530783 (VCV003530783.3).

ClinVar aggregate classification (germline): Uncertain significance. Review status: criteria provided, multiple submitters, no conflicts (2 of 4 stars). 2 submissions from 2 submitters: Uncertain significance (2). Last evaluated 2024-09-09.

Conditions:
Inborn genetic diseases. Identifiers: MedGen C0950123, MeSH D030342.
Lymphoproliferative syndrome 1 (LPFS1). Identifiers: Orphanet 238505, Orphanet 538963, MedGen C3552634, MONDO:0013081, OMIM 613011.

gnomAD v4.1: 2 of 1,614,000 alleles (0.00012%); highest among the groups gnomAD compares: Non-Finnish European, 0.00017%; no homozygotes.

Submissions (2):

Ambry Genetics
Classification: Uncertain significance for Inborn genetic diseases. Last evaluated: 2024-09-09. Review status: criteria provided, single submitter. Criteria: Ambry Variant Classification Scheme 2023. Collection method: clinical testing. Allele origin: germline.

Labcorp Genetics (formerly Invitae), Labcorp
Classification: Uncertain significance for Lymphoproliferative syndrome 1. Last evaluated: 2024-03-07. Review status: criteria provided, single submitter. Criteria: Invitae Variant Classification Sherloc (09022015). Collection method: clinical testing. Allele origin: germline.
Comment: This sequence change replaces leucine, which is neutral and non-polar, with methionine, which is neutral and non-polar, at codon 612 of the ITK protein (p.Leu612Met). This variant is not present in population databases (gnomAD no frequency). This variant has not been reported in the literature in individuals affected with ITK-related conditions. Advanced modeling of protein sequence and biophysical properties (such as structural, functional, and spatial information, amino acid conservation, physicochemical variation, residue mobility, and thermodynamic stability) performed at Invitae indicates that this missense variant is not expected to disrupt ITK protein function with a negative predictive value of 80%. In summary, the available evidence is currently insufficient to determine the role of this variant in disease. Therefore, it has been classified as a Variant of Uncertain Significance.